The following is an entry in ClinVar:

NM_001854.4(COL11A1):c.4052G>T (p.Gly1351Val)

Gene: COL11A1 (collagen type XI alpha 1 chain; minus strand). Cytogenetic location: 1p21.1.
Variant type: single nucleotide variant.
Coding change: c.4052G>T on transcript NM_001854.4 (MANE Select); coding-DNA position 4052, G replaced by T.
Protein change: p.Gly1351Val; replaces glycine 1351 with valine.
Molecular consequence: missense variant. On other transcripts: non-coding transcript variant (1).
Genome position (GRCh38, 1-based): chr1:102,912,193, C>A on the plus strand (G>T on the coding strand, the complement: COL11A1 is on the minus strand). VCF-style: chr1-102912193-C-A. GRCh37 (hg19) VCF-style: chr1-103377749-C-A.
Other names: c.3704G>T, p.Gly1235Val (NM_001168249.1, NM_080630.4); c.3935G>T, p.Gly1312Val (NM_001190709.2); c.4088G>T, p.Gly1363Val (NM_080629.3); short protein forms G1235V, G1312V, G1351V, G1363V.
Identifiers: ClinVar variation 2440196 (VCV002440196.4), dbSNP rs2524455621, ClinGen allele CA341160212.

ClinVar aggregate classification (germline): Conflicting classifications of pathogenicity. Review status: criteria provided, conflicting classifications (1 of 4 stars). 2 submissions from 2 submitters: Likely pathogenic (1); Uncertain significance (1). Last evaluated 2023-07-17.

Conditions:
Stickler syndrome type 2 (STL2). Also called: COL11A1-Related Stickler Syndrome; STICKLER SYNDROME, BEADED VITREOUS TYPE; STICKLER SYNDROME, VITREOUS TYPE 2; STICKLER SYNDROME, TYPE II. Identifiers: Orphanet 828, Orphanet 90654, MedGen C1858084, MONDO:0011493, OMIM 604841.

Submissions (2):

Victorian Clinical Genetics Services, Murdoch Childrens Research Institute
Classification: Likely pathogenic for Stickler syndrome type 2. Last evaluated: 2023-07-17. Review status: criteria provided, single submitter. Criteria: ACMG Guidelines, 2015. Collection method: clinical testing. Allele origin: germline. Inheritance: Autosomal dominant inheritance.
Comment: Based on the classification scheme VCGS_Germline_v1.3.4, this variant is classified as Likely pathogenic. Following criteria are met: 0102 - Loss of function is a known mechanism of disease in this gene and is associated with COL11A1-related skeletal dysplasias and autosomal dominant deafness 37 (MIM#618533). Dominant negative is also a suggested mechanism (OMIM). (I) 0108 - This gene is associated with both recessive and dominant disease. Both missense variants and those predicted to result in a truncated protein have been associated with autosomal recessive and dominant disease. Additionally, autosomal recessive Stickler syndrome is usually caused by variants affecting exon 9 (PMIDs: 32578940, 25073711). (I) 0115 - Variants in this gene causing Stickler syndrome are known to have variable expressivity (PMID: 27081569). (I) 0200 - Variant is predicted to result in a missense amino acid change from glycine to valine. (I) 0251 - This variant is heterozygous. (I) 0301 - Variant is absent from gnomAD (both v2 and v3). (SP) 0309 - An alternative amino acid change at the same position has been observed in gnomAD (v2) (1 heterozygote, 0 homozygotes). (I) 0501 - Missense variant consistently predicted to be damaging by multiple in silico tools or highly conserved with a major amino acid change. (SP) 0601 - Variant is located in the well-established functional Gly-X-Y motif within the collagen repeat domain, and affects a glycine residue (DECIPHER). (SP) 0705 - No comparable missense variants have previous evidence for pathogenicity. (I) 0809 - Previous evidence of pathogenicity for this variant is inconclusive. This variant has been classified as a VUS by a clinical laboratory in ClinVar. (I) 0905 - No published segregation evidence has been identified for this variant. (I) 1007 - No published functional evidence has been identified for this variant. (I) Legend: (SP) - Supporting pathogenic, (I) - Information, (SB) - Supporting benign

Revvity Omics, Revvity
Classification: Uncertain significance. Last evaluated: 2020-10-29. Review status: criteria provided, single submitter. Criteria: ACMG Guidelines, 2015. Collection method: clinical testing. Allele origin: germline.

Literature cited by the submitters: PubMed 25073711 (cited by Victorian Clinical Genetics Services, Murdoch Childrens Research Institute); PubMed 27081569 (cited by Victorian Clinical Genetics Services, Murdoch Childrens Research Institute); PubMed 32578940 (cited by Victorian Clinical Genetics Services, Murdoch Childrens Research Institute).